The following is an entry in ClinVar:

ClinVar aggregate classification (germline): Likely benign. Review status: criteria provided, multiple submitters, no conflicts (2 of 4 stars). 2 submissions from 2 submitters: Likely benign (2). Last evaluated 2024-05-09.

Allele frequency attached by ClinVar (database versions not stated): gnomAD exomes 0.00001; ExAC 0.00002.
gnomAD v4.1: 13 of 1,614,180 alleles (0.00081%); highest among the groups gnomAD compares: South Asian, 0.0033%; no homozygotes.

Submissions (2):

Labcorp Genetics (formerly Invitae), Labcorp
Classification: Likely benign. Last evaluated: 2024-05-09. Review status: criteria provided, single submitter. Criteria: Invitae Variant Classification Sherloc (09022015). Collection method: clinical testing. Allele origin: germline.

CeGaT Center for Human Genetics Tuebingen
Classification: Likely benign. Last evaluated: 2023-11-01. Review status: criteria provided, single submitter. Criteria: CeGaT Center For Human Genetics Tuebingen Variant Classification Criteria Version 2. Collection method: clinical testing. Allele origin: germline. Affected: yes. Observed: 1 variant allele.
Comment: RUSC2: BP4, BP7

NM_014806.5(RUSC2):c.4269A>G (p.Thr1423=)

Gene: RUSC2 (RUN and SH3 domain containing 2; plus strand). Cytogenetic location: 9p13.3.
Variant type: single nucleotide variant.
Coding change: c.4269A>G on transcript NM_014806.5 (MANE Select); coding-DNA position 4269, A replaced by G.
Protein change: p.Thr1423=; no amino-acid change (threonine 1423 retained).
Molecular consequence: synonymous variant. On other transcripts: non-coding transcript variant (1).
Genome position (GRCh38, 1-based): chr9:35,561,017, A>G. VCF-style: chr9-35561017-A-G. GRCh37 (hg19) VCF-style: chr9-35561014-A-G.
Other names: c.4269A>G, p.Thr1423= (NM_001135999.2); c.1635A>G, p.Thr545= (NM_001330740.2).
Identifiers: ClinVar variation 1460558 (VCV001460558.28), dbSNP rs758912055, ClinGen allele CA5044340.